The following is an entry in ClinVar:

ClinVar aggregate classification (germline): Uncertain significance (1 of 4 stars; one submission).

Submission:

GeneDx
Classification: Uncertain significance. Last evaluated: 2025-03-25. Review status: criteria provided, single submitter. Criteria: GeneDx Variant Classification Process June 2021. Collection method: clinical testing. Allele origin: germline. Affected: yes.
Comment: Not observed at significant frequency in large population cohorts (gnomAD); In silico analysis supports that this missense variant has a deleterious effect on protein structure/function; Has not been previously published as pathogenic or benign to our knowledge

NM_003660.4(PPFIA3):c.1792G>A (p.Asp598Asn)

Gene: PPFIA3 (PPFI scaffold protein A3; plus strand). Cytogenetic location: 19q13.33.
Variant type: single nucleotide variant.
Coding change: c.1792G>A on transcript NM_003660.4 (MANE Select); coding-DNA position 1792, G replaced by A.
Protein change: p.Asp598Asn; replaces aspartic acid 598 with asparagine.
Molecular consequence: missense variant. On other transcripts: non-coding transcript variant (1).
Genome position (GRCh38, 1-based): chr19:49,136,850, G>A. VCF-style: chr19-49136850-G-A. GRCh37 (hg19) VCF-style: chr19-49640107-G-A.
Other names: short protein forms D598N.
Identifiers: ClinVar variation 4087922 (VCV004087922.1).